The following is an entry in ClinVar:

ClinVar aggregate classification (germline): Likely pathogenic (1 of 4 stars; one submission).

Conditions:
Landau-Kleffner syndrome (FESD). Also called: EPILEPSY, FOCAL, WITH SPEECH DISORDER AND WITH OR WITHOUT MENTAL RETARDATION; APHASIA, ACQUIRED, WITH EPILEPSY. Identifiers: Orphanet 1945, Orphanet 725, Orphanet 98818, MedGen C0282512, MONDO:0009509, OMIM 245570.

Submission:

Institute of Human Genetics, University of Leipzig Medical Center
Classification: Likely pathogenic for Landau-Kleffner syndrome. Last evaluated: 2025-03-04. Review status: criteria provided, single submitter. Criteria: ACMG Guidelines, 2015. Collection method: clinical testing. Allele origin: de novo. Inheritance: Autosomal dominant inheritance. Affected: yes.
Comment: Criteria applied: PVS1,PM2,PS2_MOD

NM_001134407.3(GRIN2A):c.2466C>G (p.Tyr822Ter)

Gene: GRIN2A (glutamate ionotropic receptor NMDA type subunit 2A; minus strand). Cytogenetic location: 16p13.2.
Variant type: single nucleotide variant.
Coding change: c.2466C>G on transcript NM_001134407.3 (MANE Select); coding-DNA position 2466, C replaced by G.
Protein change: p.Tyr822Ter; replaces tyrosine 822 with a stop codon.
Molecular consequence: nonsense.
Genome position (GRCh38, 1-based): chr16:9,768,980, G>C on the plus strand (C>G on the coding strand, the complement: GRIN2A is on the minus strand). VCF-style: chr16-9768980-G-C. GRCh37 (hg19) VCF-style: chr16-9862837-G-C.
Other names: c.2466C>G, p.Tyr822Ter (NM_000833.5, NM_001134408.2); short protein forms Y822*.
Identifiers: ClinVar variation 3024515 (VCV003024515.3), dbSNP rs2141150691, ClinGen allele CA394710075.
Genomic context (GRCh38, chr16:9,768,980, plus strand): 5'-GTAGAAGAGGTGCTCCCAGATGAAGGTGATGAGGCTAAGGGCCATGGCGGCAGCCAGCAT[G>C]TAGAATACGCCCGCCATGTTGTCAATGTCCAGCTGGCTGCTCATCACCTCGTTCTTCTCG-3'